The following is an entry in ClinVar:

ClinVar aggregate classification (germline): Likely pathogenic (1 of 4 stars; one submission).

Conditions:
Hereditary pheochromocytoma and paraganglioma. Also called: Hereditary paragangliomas and pheochromocytomas; Hereditary Paraganglioma-Pheochromocytoma Syndromes; Hereditary pheochromocytoma-paraganglioma. Identifiers: Orphanet 29072, MedGen C4274332, MONDO:0017366.

Submission:

Laboratory for Molecular Medicine, Mass General Brigham Personalized Medicine
Classification: Likely pathogenic for Hereditary pheochromocytoma and paraganglioma. Last evaluated: 2013-01-15. Review status: criteria provided, single submitter. Criteria: LMM Criteria. Collection method: clinical testing. Allele origin: germline. Observed: 1 variant allele.
Comment: The (?_*286)_(*387_?)del variant in SDHD has not been reported in the literatur e nor previously identified by our laboratory. This deletion occurs in the 3' u ntranslated region (3'UTR), though the exact breakpoints of this deletion cannot be determined by this test. This variant may or may not affect the coding seque nce of the gene. Single or multiple exon deletions in the SDHD gene, including d eletions encompassing the terminal exon 4, have been reported in individuals wit h hereditary paraganglioma and pheochromocytoma syndrome (McWhinney 2004, Burnic hon 2009, Janecke 2010, Aradhya 2012), and are reported to account for up to 3% of pathogenic SDHD variants (Ricketts 2009). This deletion is expected to cause a loss of function of the SDHD protein, consistent with an established mechanism of pathogenicity in this disease. In summary, this variant is likely to be path ogenic, though additional studies are required to fully establish its clinical s ignificance.

Literature cited by the submitters: PubMed 20111059; PubMed 15531530; PubMed 22382802; PubMed 19454582; PubMed 19802898.

NC_000011.10:g.(?_112095256)_(112095357_?)del

Gene: SDHD (succinate dehydrogenase complex subunit D; plus strand). Cytogenetic location: 11q23.1.
Variant type: Deletion.
Identifiers: ClinVar variation 178687 (VCV000178687.5).